The following is an entry in ClinVar:

NM_133642.5(LARGE1):c.1878-11G>T

Gene: LARGE1 (LARGE xylosyl- and glucuronyltransferase 1; minus strand). Cytogenetic location: 22q12.3.
Variant type: single nucleotide variant.
Coding change: c.1878-11G>T on transcript NM_133642.5 (MANE Select); 11 bases into the intron before coding-DNA position 1878, G replaced by T.
Molecular consequence: intron variant.
Genome position (GRCh38, 1-based): chr22:33,277,266, C>A on the plus strand (G>T on the coding strand, the complement: LARGE1 is on the minus strand). VCF-style: chr22-33277266-C-A. GRCh37 (hg19) VCF-style: chr22-33673252-C-A.
Other names: c.1878-11G>T (NM_001362953.2, NM_001362949.2, NM_001362951.2 and 4 more transcripts); c.1731-11G>T (NM_001378627.1, NM_001378628.1); c.1722-11G>T (NM_001378629.1); c.972-11G>T (NM_001378631.1); c.1275-11G>T (NM_001378630.1).
Identifiers: ClinVar variation 516143 (VCV000516143.16), dbSNP rs200819807, ClinGen allele CA10202618.
Genomic context (GRCh38, chr22:33,277,266, plus strand): 5'-GCCACTTGGCGAAGTTTGTGGGTGCGTGGCCTTTCGTCCAGACGTGGTACCTGAGACACA[C>A]GGAGAAAAGCCATTGGGTGTAGGGAAGGAAGCCAAGCTCTCCAAATGCAGCCGATGTGGA-3'

ClinVar aggregate classification (germline): Benign/Likely benign. Review status: criteria provided, multiple submitters, no conflicts (2 of 4 stars). 5 submissions from 4 submitters: Benign (1); Likely benign (4). Last evaluated 2026-01-19.

Conditions:
Muscular dystrophy-dystroglycanopathy type B6 (MDDGB6). Also called: MUSCULAR DYSTROPHY, CONGENITAL, LARGE-RELATED; MUSCULAR DYSTROPHY, CONGENITAL, TYPE 1D; MUSCULAR DYSTROPHY-DYSTROGLYCANOPATHY (CONGENITAL WITH IMPAIRED INTELLECTUAL DEVELOPMENT), TYPE B, 6. Identifiers: MedGen C1837229, MONDO:0012138, OMIM 608840.
Muscular dystrophy-dystroglycanopathy (congenital with brain and eye anomalies), type A6. Also called: MUSCULAR DYSTROPHY-DYSTROGLYCANOPATHY (CONGENITAL WITH BRAIN AND EYE ANOMALIES), TYPE A, 6; WALKER-WARBURG SYNDROME OR MUSCLE-EYE-BRAIN DISEASE, LARGE-RELATED. Identifiers: Orphanet 588, Orphanet 899, MedGen C3150414, MONDO:0013158, OMIM 613154.

Allele frequency attached by ClinVar (database versions not stated): gnomAD 0.00025; ESP Exome Variant Server 0.00031; 1000 Genomes Project 30x 0.00062; ExAC 0.00063; TOPMed 0.00068; 1000 Genomes Project 0.00080.
gnomAD v4.1: 337 of 1,613,608 alleles (0.021%); highest among the groups gnomAD compares: East Asian, 0.44%; 5 homozygotes.

Submissions (5):

Labcorp Genetics (formerly Invitae), Labcorp
Classification: Benign for Muscular dystrophy-dystroglycanopathy type B6. Last evaluated: 2026-01-19. Review status: criteria provided, single submitter. Criteria: Invitae Variant Classification Sherloc (09022015). Collection method: clinical testing. Allele origin: germline.

Blueprint Genetics
Classification: Likely benign. Last evaluated: 2024-10-28. Review status: criteria provided, single submitter. Criteria: ACMG Guidelines, 2015. Collection method: clinical testing. Allele origin: germline.

GeneDx
Classification: Likely benign. Last evaluated: 2019-09-24. Review status: criteria provided, single submitter. Criteria: GeneDx Variant Classification Process June 2021. Collection method: clinical testing. Allele origin: germline. Affected: yes.

Illumina Laboratory Services, Illumina
Classification: Likely benign for Muscular dystrophy-dystroglycanopathy (congenital with brain and eye anomalies), type A6. Last evaluated: 2018-01-13. Review status: criteria provided, single submitter. Criteria: ICSL Variant Classification Criteria 13 December 2019. Collection method: clinical testing. Allele origin: germline.
Comment: This variant was observed in the ICSL laboratory as part of a predisposition screen in an ostensibly healthy population. It had not been previously curated by ICSL or reported in the Human Gene Mutation Database (HGMD: prior to June 1st, 2018), and was therefore a candidate for classification through an automated scoring system. Utilizing variant allele frequency, disease prevalence and penetrance estimates, and inheritance mode, an automated score was calculated to assess if this variant is too frequent to cause the disease. Based on the score and internal cut-off values, a variant classified as likely benign is not then subjected to further curation. The score for this variant resulted in a classification of likely benign for this disease.

Illumina Laboratory Services, Illumina
Classification: Likely benign for Muscular dystrophy-dystroglycanopathy type B6. Last evaluated: 2018-01-13. Review status: criteria provided, single submitter. Criteria: ICSL Variant Classification Criteria 13 December 2019. Collection method: clinical testing. Allele origin: germline.
Comment: the same text as in the submission from Illumina Laboratory Services, Illumina above.